The following is an entry in ClinVar:

NM_001288732.2(TEX2):c.531C>T (p.Ala177=)

Gene: TEX2 (testis expressed 2; minus strand). Cytogenetic location: 17q23.3.
Variant type: single nucleotide variant.
Coding change: c.531C>T on transcript NM_001288732.2 (MANE Select); coding-DNA position 531, C replaced by T.
Protein change: p.Ala177=; no amino-acid change (alanine 177 retained).
Molecular consequence: synonymous variant.
Genome position (GRCh38, 1-based): chr17:64,213,687, G>A on the plus strand (C>T on the coding strand, the complement: TEX2 is on the minus strand). VCF-style: chr17-64213687-G-A. GRCh37 (hg19) VCF-style: chr17-62291047-G-A.
Other names: c.531C>T, p.Ala177= (NM_001288733.2, NM_018469.5).
Identifiers: ClinVar variation 3898753 (VCV003898753.7).
Genomic context (GRCh38, chr17:64,213,687, plus strand): 5'-GGTCGACAGGGACTTCACAAGGCTCATGAAGGGTTTTGCACTGGAAAGGGTGGAGGTTGA[G>A]GCACTGGATGAGAGGATGGGAGACTTAGAAGGAGAGGACAATGGGGAGGAAGAACTGGTT-3'
Protein context (NP_001275661.1, residues 167-187): PSKSPILSSS[Ala177=]STSTLSSAKP

ClinVar aggregate classification (germline): Likely benign (1 of 4 stars; one submission).

gnomAD v4.1: 4,335 of 1,614,150 alleles (0.27%); highest among the groups gnomAD compares: Non-Finnish European, 0.32%; 13 homozygotes.

Submission:

CeGaT Center for Human Genetics Tuebingen
Classification: Likely benign. Last evaluated: 2025-04-01. Review status: criteria provided, single submitter. Criteria: CeGaT Center For Human Genetics Tuebingen Variant Classification Criteria Version 2. Collection method: clinical testing. Allele origin: germline. Affected: yes. Observed: 1 variant allele.
Comment: TEX2: BP4, BS2